The following is an entry in ClinVar:

NM_005228.5(EGFR):c.1450T>G (p.Ser484Ala)

Gene: EGFR (epidermal growth factor receptor; plus strand). Cytogenetic location: 7p11.2.
Variant type: single nucleotide variant.
Coding change: c.1450T>G on transcript NM_005228.5 (MANE Select); coding-DNA position 1450, T replaced by G.
Protein change: p.Ser484Ala; replaces serine 484 with alanine.
Molecular consequence: missense variant.
Genome position (GRCh38, 1-based): chr7:55,160,290, T>G. VCF-style: chr7-55160290-T-G. GRCh37 (hg19) VCF-style: chr7-55227983-T-G.
Other names: c.1315T>G, p.Ser439Ala (NM_001346897.2, NM_001346899.2); c.1450T>G, p.Ser484Ala (NM_001346898.2, NM_201282.2, NM_201284.2); c.1291T>G, p.Ser431Ala (NM_001346900.2); c.649T>G, p.Ser217Ala (NM_001346941.2); short protein forms S217A, S439A, S431A, S484A.
Identifiers: ClinVar variation 2758431 (VCV002758431.3), dbSNP rs2128941655, ClinGen allele CA367579637.
Genomic context (GRCh38, chr7:55,160,290, plus strand): 5'-TCAGGAAACAAAAATTTGTGCTATGCAAATACAATAAACTGGAAAAAACTGTTTGGGACC[T>G]CCGGTCAGAAAACCAAAATTATAAGCAACAGAGGTGAAAACAGCTGCAGTAAGTCACCGC-3'
Protein context (NP_005219.2, residues 474-494): TINWKKLFGT[Ser484Ala]GQKTKIISNR

ClinVar aggregate classification (germline): Uncertain significance (1 of 4 stars; one submission).

Conditions:
EGFR-related lung cancer (EGFR). Identifiers: MedGen CN130014.

Submission:

Labcorp Genetics (formerly Invitae), Labcorp
Classification: Uncertain significance for EGFR-related lung cancer. Last evaluated: 2023-09-06. Review status: criteria provided, single submitter. Criteria: Invitae Variant Classification Sherloc (09022015). Collection method: clinical testing. Allele origin: germline.
Comment: In summary, the available evidence is currently insufficient to determine the role of this variant in disease. Therefore, it has been classified as a Variant of Uncertain Significance. Advanced modeling of protein sequence and biophysical properties (such as structural, functional, and spatial information, amino acid conservation, physicochemical variation, residue mobility, and thermodynamic stability) performed at Invitae indicates that this missense variant is not expected to disrupt EGFR protein function. This variant has not been reported in the literature in individuals affected with EGFR-related conditions. This variant is not present in population databases (gnomAD no frequency). This sequence change replaces serine, which is neutral and polar, with alanine, which is neutral and non-polar, at codon 484 of the EGFR protein (p.Ser484Ala).